The following is an entry in ClinVar:

ClinVar aggregate classification (germline): Likely benign. Review status: reviewed by expert panel (3 of 4 stars). 5 submissions from 5 submitters: Likely benign (1). 4 of the submissions do not count toward it. Last evaluated 2025-04-11.

Conditions:
Very long chain acyl-CoA dehydrogenase deficiency (ACADVLD). Also called: VLCAD Deficiency; Very Long-Chain Acyl-Coenzyme A Dehydrogenase Deficiency. Identifiers: Orphanet 26793, MedGen C3887523, MONDO:0008723, OMIM 201475.

Allele frequency attached by ClinVar (database versions not stated): ExAC below 0.00001; gnomAD exomes 0.00005 and 0.00017; gnomAD 0.00009 and 0.00010; TOPMed 0.00009.
gnomAD v4.1: 248 of 1,536,524 alleles (0.016%); highest among the groups gnomAD compares: Non-Finnish European, 0.021%; no homozygotes.

Submissions (5):

ClinGen ACADVL Variant Curation Expert Panel, ClinGen
Classification: Likely benign for Very long chain acyl-CoA dehydrogenase deficiency. Last evaluated: 2025-04-11. Review status: reviewed by expert panel. Criteria: clingen acadvl acmg specifications v1. Collection method: curation. Allele origin: germline. Inheritance: Autosomal recessive inheritance.
Comment: The c.114G>C (p.Arg38=) (NM_000018.4) is a synonymous (silent) variant that is not predicted by NNSplice, SpliceAI to impact splicing. In addition, it occurs at a nucleotide that is not conserved as shown by UCSC Genome Browser Multiz Aligments of 100 Vertebrates (BP4, BP7). To our knowledge, this variant has not been reported in the literature in any individuals with autosomal recessive very long chain acyl-CoA dehydrogenase (VLCAD) deficiency. The highest population minor allele frequency in gnomAD v2.1.1 is 0.0001224 (8/65370 alleles) in European (non-Finnish) population, which is lower than the ClinGen ACADVL Variant Curation Expert Panel threshold (<0.001) for PM2_Supporting; however, this is not considered conflicting evidence with BP4 and BP7. In summary, this variant meets the criteria to be classified as likely benign for autosomal recessive VLCAD deficiency based on the ACMG/AMP criteria applied, as specified by the ClinGen ACADVL Variant Curation Expert Panel: BP4, BP7, PM2_supporting (ACADVL VCEP specifications version 1; approved November 9, 2021).

Labcorp Genetics (formerly Invitae), Labcorp
Classification: Likely benign for Very long chain acyl-CoA dehydrogenase deficiency. Last evaluated: 2026-01-14. Review status: criteria provided, single submitter. Criteria: Invitae Variant Classification Sherloc (09022015). Collection method: clinical testing. Allele origin: germline. Not counted in ClinVar's aggregate classification.

Blueprint Genetics
Classification: Likely benign. Last evaluated: 2024-02-21. Review status: criteria provided, single submitter. Criteria: ACMG Guidelines, 2015. Collection method: clinical testing. Allele origin: germline. Not counted in ClinVar's aggregate classification.

Illumina Laboratory Services, Illumina
Classification: Uncertain significance for Very long chain acyl-CoA dehydrogenase deficiency. Last evaluated: 2018-01-12. Review status: criteria provided, single submitter. Criteria: ICSL Variant Classification Criteria 13 December 2019. Collection method: clinical testing. Allele origin: germline. Not counted in ClinVar's aggregate classification.

Natera, Inc.
Classification: Likely benign for Very long chain acyl-CoA dehydrogenase deficiency. Last evaluated: 2021-05-24. Review status: no assertion criteria provided. Collection method: clinical testing. Allele origin: germline. Not counted in ClinVar's aggregate classification.

NM_000018.4(ACADVL):c.114G>C (p.Arg38=)

Genes: ACADVL (acyl-CoA dehydrogenase very long chain; plus strand), LOC130060113 (ATAC-STARR-seq lymphoblastoid silent region 8088; plus strand). Cytogenetic location: 17p13.1.
Variant type: single nucleotide variant.
Coding change: c.114G>C on transcript NM_000018.4 (MANE Select); coding-DNA position 114, G replaced by C.
Protein change: p.Arg38=; no amino-acid change (arginine 38 retained).
Molecular consequence: synonymous variant. On other transcripts: 5 prime UTR variant (1).
Genome position (GRCh38, 1-based): chr17:7,220,173, G>C. VCF-style: chr17-7220173-G-C. GRCh37 (hg19) VCF-style: chr17-7123492-G-C.
Other names: NM_000018.4(ACADVL):c.114G>C; p.Arg38=; c.114G>C, p.Arg38= (NM_001033859.3); c.183G>C, p.Arg61= (NM_001270447.2); c.-115G>C (NM_001270448.2).
Identifiers: ClinVar variation 892467 (VCV000892467.19), dbSNP rs777380964, ClinGen allele CA8337548.